The following is an entry in ClinVar:

NM_178138.6(LHX3):c.521G>C (p.Ser174Thr)

Gene: LHX3 (LIM homeobox 3; minus strand). Cytogenetic location: 9q34.3.
Variant type: single nucleotide variant.
Coding change: c.521G>C on transcript NM_178138.6 (MANE Select); coding-DNA position 521, G replaced by C.
Protein change: p.Ser174Thr; replaces serine 174 with threonine.
Molecular consequence: missense variant.
Genome position (GRCh38, 1-based): chr9:136,198,993, C>G on the plus strand (G>C on the coding strand, the complement: LHX3 is on the minus strand). VCF-style: chr9-136198993-C-G. GRCh37 (hg19) VCF-style: chr9-139090839-C-G.
Other names: c.488G>C, p.Ser163Thr (NM_001363746.1); c.536G>C, p.Ser179Thr (NM_014564.5); short protein forms S179T, S174T, S163T.
Identifiers: ClinVar variation 1347753 (VCV001347753.7), dbSNP rs1340869910, ClinGen allele CA375519718.

ClinVar aggregate classification (germline): Uncertain significance (1 of 4 stars; one submission).

Submission:

Labcorp Genetics (formerly Invitae), Labcorp
Classification: Uncertain significance. Last evaluated: 2024-04-22. Review status: criteria provided, single submitter. Criteria: Invitae Variant Classification Sherloc (09022015). Collection method: clinical testing. Allele origin: germline.
Comment: This sequence change replaces serine with threonine at codon 179 of the LHX3 protein (p.Ser179Thr). The serine residue is weakly conserved and there is a small physicochemical difference between serine and threonine. This variant is not present in population databases (gnomAD no frequency). This variant has not been reported in the literature in individuals affected with LHX3-related conditions. ClinVar contains an entry for this variant (Variation ID: 1347753). An algorithm developed to predict the effect of missense changes on protein structure and function (PolyPhen-2) suggests that this variant is likely to be tolerated. In summary, the available evidence is currently insufficient to determine the role of this variant in disease. Therefore, it has been classified as a Variant of Uncertain Significance.